The following is an entry in ClinVar:

ClinVar aggregate classification (germline): Uncertain significance (1 of 4 stars; one submission).

Conditions:
Familial cold autoinflammatory syndrome 3 (FCAS3). Also called: FAMILIAL ATYPICAL COLD URTICARIA; ANTIBODY DEFICIENCY AND IMMUNE DYSREGULATION, PLCG2-ASSOCIATED. Identifiers: Orphanet 300359, MedGen C3280914, MONDO:0013766, OMIM 614468.

Submission:

Labcorp Genetics (formerly Invitae), Labcorp
Classification: Uncertain significance for Familial cold autoinflammatory syndrome 3. Last evaluated: 2023-12-11. Review status: criteria provided, single submitter. Criteria: Invitae Variant Classification Sherloc (09022015). Collection method: clinical testing. Allele origin: germline.
Comment: This sequence change replaces aspartic acid, which is acidic and polar, with histidine, which is basic and polar, at codon 473 of the PLCG2 protein (p.Asp473His). This variant is not present in population databases (gnomAD no frequency). This variant has not been reported in the literature in individuals affected with PLCG2-related conditions. An algorithm developed to predict the effect of missense changes on protein structure and function (PolyPhen-2) suggests that this variant is likely to be disruptive. In summary, the available evidence is currently insufficient to determine the role of this variant in disease. Therefore, it has been classified as a Variant of Uncertain Significance.

NM_002661.5(PLCG2):c.1417G>C (p.Asp473His)

Gene: PLCG2 (phospholipase C gamma 2; plus strand). Cytogenetic location: 16q23.3.
Variant type: single nucleotide variant.
Coding change: c.1417G>C on transcript NM_002661.5 (MANE Select); coding-DNA position 1417, G replaced by C.
Protein change: p.Asp473His; replaces aspartic acid 473 with histidine.
Molecular consequence: missense variant.
Genome position (GRCh38, 1-based): chr16:81,905,457, G>C. VCF-style: chr16-81905457-G-C. GRCh37 (hg19) VCF-style: chr16-81939062-G-C.
Other names: c.1417G>C, p.Asp473His (NM_001425749.1, NM_001425750.1, NM_001425751.1); short protein forms D473H.
Identifiers: ClinVar variation 2825790 (VCV002825790.3), dbSNP rs2507657852, ClinGen allele CA396899693.